The following is an entry in ClinVar:

NM_001267550.2(TTN):c.51256C>T (p.Arg17086Cys)

Genes: TTN-AS1 (TTN antisense RNA 1; plus strand), TTN (titin; minus strand). Cytogenetic location: 2q31.2.
Variant type: single nucleotide variant.
Coding change: c.51256C>T on transcript NM_001267550.2 (MANE Select); coding-DNA position 51256, C replaced by T.
Protein change: p.Arg17086Cys; replaces arginine 17086 with cysteine.
Molecular consequence: missense variant.
Genome position (GRCh38, 1-based): chr2:178,610,270, G>A on the plus strand (C>T on the coding strand, the complement: TTN is on the minus strand). VCF-style: chr2-178610270-G-A. GRCh37 (hg19) VCF-style: chr2-179474997-G-A.
Other names: c.46333C>T, p.Arg15445Cys (NM_001256850.1); c.24061C>T, p.Arg8021Cys (NM_003319.4); c.43552C>T, p.Arg14518Cys (NM_133378.4); c.24436C>T, p.Arg8146Cys (NM_133432.3); c.24637C>T, p.Arg8213Cys (NM_133437.4); short protein forms R14518C, R15445C, R17086C, R8146C, R8021C, R8213C.
Identifiers: ClinVar variation 682505 (VCV000682505.2), dbSNP rs751267287, ClinGen allele CA1994226.

ClinVar aggregate classification (germline): Likely benign. Review status: criteria provided, multiple submitters, no conflicts (2 of 4 stars). 2 submissions from 2 submitters: Likely benign (2). Last evaluated 2022-08-04.

Conditions:
Cardiomyopathy (CMYO). Also called: Cardiomyopathies. Identifiers: Orphanet 167848, MedGen C0878544, MONDO:0004994, HP:0001638. Inheritance: Various modes of inheritance.

Allele frequency attached by ClinVar (database versions not stated): TOPMed below 0.00001; ExAC 0.00004; gnomAD exomes 0.00004.
gnomAD v4.1: 41 of 1,612,882 alleles (0.0025%); highest among the groups gnomAD compares: East Asian, 0.027%; no homozygotes.

Submissions (2):

CHEO Genetics Diagnostic Laboratory, Children's Hospital of Eastern Ontario
Classification: Likely benign for Cardiomyopathy. Last evaluated: 2022-08-04. Review status: criteria provided, single submitter. Criteria: ACMG Guidelines, 2015. Collection method: clinical testing. Allele origin: germline.

GeneDx
Classification: Likely benign. Last evaluated: 2018-04-27. Review status: criteria provided, single submitter. Criteria: GeneDx Variant Classification (06012015). Collection method: clinical testing. Allele origin: germline. Affected: yes.
Comment: This variant is considered likely benign or benign based on one or more of the following criteria: it is a conservative change, it occurs at a poorly conserved position in the protein, it is predicted to be benign by multiple in silico algorithms, and/or has population frequency not consistent with disease.